The following is an entry in ClinVar:

ClinVar aggregate classification (germline): Uncertain significance. Review status: criteria provided, multiple submitters, no conflicts (2 of 4 stars). 4 submissions from 4 submitters: Uncertain significance (4). Last evaluated 2025-12-11.

Conditions:
Cardiovascular phenotype. Identifiers: MedGen CN230736.
Hereditary cancer-predisposing syndrome. Also called: Hereditary neoplastic syndrome; Neoplastic Syndromes, Hereditary; Tumor predisposition; Hereditary Cancer Syndrome. Identifiers: Orphanet 140162, MedGen C0027672, MeSH D009386, MONDO:0015356.
Neurofibromatosis, type 1 (NF1). Also called: VON RECKLINGHAUSEN DISEASE; Peripheral type neurofibromatosis; NEUROFIBROMATOSIS, TYPE I, SOMATIC; Neurofibromatosis, type I. Identifiers: Orphanet 636, MedGen C0027831, MONDO:0018975, OMIM 162200. Disease mechanism: loss of function.

Submissions (4):

Ambry Genetics
Classification: Uncertain significance for Cardiovascular phenotype; Hereditary cancer-predisposing syndrome. Last evaluated: 2025-12-11. Review status: criteria provided, single submitter. Criteria: Ambry Variant Classification Scheme 2023. Collection method: clinical testing. Allele origin: germline.
Comment: The p.S1917G variant (also known as c.5749A>G), located in coding exon 38 of the NF1 gene, results from an A to G substitution at nucleotide position 5749. The serine at codon 1917 is replaced by glycine, an amino acid with similar properties. This amino acid position is highly conserved in available vertebrate species. In addition, this alteration is predicted to be tolerated by in silico analysis. Based on the available evidence, the clinical significance of this variant remains unclear.

Quest Diagnostics Nichols Institute San Juan Capistrano
Classification: Uncertain significance. Last evaluated: 2025-06-26. Review status: criteria provided, single submitter. Criteria: Quest Diagnostics criteria. Collection method: clinical testing. Allele origin: unknown.

Genome-Nilou Lab
Classification: Uncertain significance for Neurofibromatosis, type 1. Last evaluated: 2022-03-15. Review status: criteria provided, single submitter. Criteria: ACMG Guidelines, 2015. Collection method: clinical testing. Allele origin: germline. Affected: no.

Labcorp Genetics (formerly Invitae), Labcorp
Classification: Uncertain significance for Neurofibromatosis, type 1. Last evaluated: 2021-12-23. Review status: criteria provided, single submitter. Criteria: Invitae Variant Classification Sherloc (09022015). Collection method: clinical testing. Allele origin: germline.
Comment: This variant has not been reported in the literature in individuals affected with NF1-related conditions. In summary, the available evidence is currently insufficient to determine the role of this variant in disease. Therefore, it has been classified as a Variant of Uncertain Significance. RNA analysis performed to evaluate the impact of this missense change on mRNA splicing indicates it does not significantly alter splicing (Invitae). Algorithms developed to predict the effect of missense changes on protein structure and function are either unavailable or do not agree on the potential impact of this missense change (SIFT: "Tolerated"; PolyPhen-2: "Probably Damaging"; Align-GVGD: "Class C0"). ClinVar contains an entry for this variant (Variation ID: 480224). This variant is not present in population databases (gnomAD no frequency). This sequence change replaces serine, which is neutral and polar, with glycine, which is neutral and non-polar, at codon 1917 of the NF1 protein (p.Ser1917Gly).

NM_001042492.3(NF1):c.5812A>G (p.Ser1938Gly)

Gene: NF1 (neurofibromin 1; plus strand). Cytogenetic location: 17q11.2.
Variant type: single nucleotide variant.
Coding change: c.5812A>G on transcript NM_001042492.3 (MANE Select); coding-DNA position 5812, A replaced by G.
Protein change: p.Ser1938Gly; replaces serine 1938 with glycine.
Molecular consequence: missense variant.
Genome position (GRCh38, 1-based): chr17:31,330,498, A>G. VCF-style: chr17-31330498-A-G. GRCh37 (hg19) VCF-style: chr17-29657516-A-G.
Other names: c.5749A>G, p.Ser1917Gly (NM_000267.4); short protein forms S1917G, S1938G.
Identifiers: ClinVar variation 480224 (VCV000480224.14), dbSNP rs1555533885, ClinGen allele CA399010533.